The following is an entry in ClinVar:

ClinVar aggregate classification (germline): Uncertain significance (1 of 4 stars; one submission).

Conditions:
Norman-Roberts syndrome (LIS2). Also called: Lissencephaly 2 (Norman-Roberts type). Identifiers: Orphanet 89844, MedGen C0796089, MONDO:0009760, OMIM 257320.
Familial temporal lobe epilepsy 7. Identifiers: Orphanet 101046, MedGen C4225327, MONDO:0014639, OMIM 616436.

Allele frequency attached by ClinVar (database versions not stated): gnomAD exomes below 0.00001 and 0.00002.
gnomAD v4.1: 22 of 1,613,820 alleles (0.0014%); highest among the groups gnomAD compares: Non-Finnish European, 0.0019%; no homozygotes.

Submission:

Labcorp Genetics (formerly Invitae), Labcorp
Classification: Uncertain significance for Familial temporal lobe epilepsy 7; Norman-Roberts syndrome. Last evaluated: 2024-10-22. Review status: criteria provided, single submitter. Criteria: Invitae Variant Classification Sherloc (09022015). Collection method: clinical testing. Allele origin: germline.
Comment: This sequence change replaces phenylalanine, which is neutral and non-polar, with leucine, which is neutral and non-polar, at codon 326 of the RELN protein (p.Phe326Leu). This variant is present in population databases (no rsID available, gnomAD 0.0009%). This variant has not been reported in the literature in individuals affected with RELN-related conditions. ClinVar contains an entry for this variant (Variation ID: 956850). Invitae Evidence Modeling of protein sequence and biophysical properties (such as structural, functional, and spatial information, amino acid conservation, physicochemical variation, residue mobility, and thermodynamic stability) indicates that this missense variant is not expected to disrupt RELN protein function with a negative predictive value of 80%. In summary, the available evidence is currently insufficient to determine the role of this variant in disease. Therefore, it has been classified as a Variant of Uncertain Significance.

NM_005045.4(RELN):c.976T>C (p.Phe326Leu)

Gene: RELN (reelin; minus strand). Cytogenetic location: 7q22.1.
Variant type: single nucleotide variant.
Coding change: c.976T>C on transcript NM_005045.4 (MANE Select); coding-DNA position 976, T replaced by C.
Protein change: p.Phe326Leu; replaces phenylalanine 326 with leucine.
Molecular consequence: missense variant.
Genome position (GRCh38, 1-based): chr7:103,698,020, A>G on the plus strand (T>C on the coding strand, the complement: RELN is on the minus strand). VCF-style: chr7-103698020-A-G. GRCh37 (hg19) VCF-style: chr7-103338467-A-G.
Other names: c.976T>C, p.Phe326Leu (NM_173054.3); short protein forms F326L.
Identifiers: ClinVar variation 956850 (VCV000956850.9), dbSNP rs1009178108, ClinGen allele CA163868217.
Genomic context (GRCh38, chr7:103,698,020, plus strand): 5'-CTAAGGCCCAGCAGGCTTCATACACTTCACCTACACGAAGATTTTCCTGCTTCCACTGAA[A>G]TTGGACATTCTCCCCTTTGGCGTCCTCAGGAAGGTAGAGGATATGGATGATTGTGCTGAC-3'
Protein context (NP_005036.2, residues 316-336): PEDAKGENVQ[Phe326Leu]QWKQENLRVG